The following is an entry in ClinVar:

ClinVar aggregate classification (germline): Uncertain significance (1 of 4 stars; one submission).

Conditions:
Nemaline myopathy 2 (NEM2). Also called: Nemaline myopathy 2, autosomal recessive. Identifiers: MedGen C1850569, MONDO:0009725, OMIM 256030.

Allele frequency attached by ClinVar (database versions not stated): gnomAD exomes below 0.00001.
gnomAD v4.1: 4 of 1,614,016 alleles (0.00025%); highest among the groups gnomAD compares: Non-Finnish European, 0.00034%; no homozygotes.

Submission:

Labcorp Genetics (formerly Invitae), Labcorp
Classification: Uncertain significance for Nemaline myopathy 2. Last evaluated: 2022-02-02. Review status: criteria provided, single submitter. Criteria: Invitae Variant Classification Sherloc (09022015). Collection method: clinical testing. Allele origin: germline.
Comment: This sequence change replaces glutamine, which is neutral and polar, with arginine, which is basic and polar, at codon 2584 of the NEB protein (p.Gln2584Arg). This variant is not present in population databases (gnomAD no frequency). This variant has not been reported in the literature in individuals affected with NEB-related conditions. Algorithms developed to predict the effect of missense changes on protein structure and function are either unavailable or do not agree on the potential impact of this missense change (SIFT: "Deleterious"; PolyPhen-2: "Not Available"; Align-GVGD: "Class C0"). In summary, the available evidence is currently insufficient to determine the role of this variant in disease. Therefore, it has been classified as a Variant of Uncertain Significance.

NM_001164508.2(NEB):c.7751A>G (p.Gln2584Arg)

Gene: NEB (nebulin; minus strand). Cytogenetic location: 2q23.3.
Variant type: single nucleotide variant.
Coding change: c.7751A>G on transcript NM_001164508.2 (MANE Select); coding-DNA position 7751, A replaced by G.
Protein change: p.Gln2584Arg; replaces glutamine 2584 with arginine.
Molecular consequence: missense variant.
Genome position (GRCh38, 1-based): chr2:151,644,023, T>C on the plus strand (A>G on the coding strand, the complement: NEB is on the minus strand). VCF-style: chr2-151644023-T-C. GRCh37 (hg19) VCF-style: chr2-152500537-T-C.
Other names: c.7751A>G, p.Gln2584Arg (NM_001164507.2, NM_001271208.2, NM_004543.5); short protein forms Q2584R.
Identifiers: ClinVar variation 2197355 (VCV002197355.1), dbSNP rs2552247333, ClinGen allele CA348782585.